The following is an entry in ClinVar:

NM_007294.4(BRCA1):c.3541_3542del (p.Val1181fs)

Genes: BRCA1 (BRCA1 DNA repair associated; minus strand), LOC126862571 (BRD4-independent group 4 enhancer GRCh37_chr17:41243136-41244335; plus strand). Cytogenetic location: 17q21.31.
Variant type: Deletion.
Coding change: c.3541_3542del on transcript NM_007294.4 (MANE Select); coding-DNA positions 3541 to 3542, 2 bases deleted (GT; older notation c.3541_3542delGT).
Protein change: p.Val1181fs; shifts the reading frame from valine 1181.
Molecular consequence: frameshift variant. On other transcripts: intron variant (135).
Genome position (GRCh38, 1-based): chr17:43,091,989-43,091,990, AC deleted on the plus strand (GT on the coding strand, the reverse complement: BRCA1 is on the minus strand). VCF-style (leftmost placement, unchanged base first): chr17-43091988-GAC-G. GRCh37 (hg19) VCF-style: chr17-41244005-GAC-G.
Other names: 3660delGT 1186X; c.3541_3542del, p.Val1181fs (NM_001407641.1, NM_001407642.1, NM_007300.4 and 30 more transcripts); c.3463_3464del, p.Val1155fs (NM_001407656.1, NM_001407657.1, NM_001407658.1 and 4 more transcripts); c.3460_3461del, p.Val1154fs (NM_001407659.1, NM_001407660.1, NM_001407661.1 and 1 more transcripts); c.3418_3419del, p.Val1140fs (NM_001407674.1, NM_001407675.1, NM_001407676.1 and 19 more transcripts); c.3400_3401del, p.Val1134fs (NM_001407692.1, NM_001407694.1, NM_001407695.1 and 29 more transcripts); c.3397_3398del, p.Val1133fs (NM_001407740.1, NM_001407741.1, NM_001407742.1 and 20 more transcripts); c.3538_3539del, p.Val1180fs (NM_001407861.1, NM_001407587.1, NM_001407590.1 and 22 more transcripts); and 43 more; short protein forms V1134fs, V1181fs, V1070fs, V1093fs, V1110fs, V1111fs, V1114fs, V313fs.
Identifiers: ClinVar variation 266382 (VCV000266382.4), dbSNP rs886040141, ClinGen allele CA10589741.

ClinVar aggregate classification (germline): Pathogenic (3 of 4 stars; one submission).

Conditions:
Breast-ovarian cancer, familial, susceptibility to, 1 (BROVCA1). Also called: BRCA1 Hereditary Breast and Ovarian Cancer; OVARIAN CANCER, SUSCEPTIBILITY TO. Identifiers: Orphanet 145, MedGen C2676676, MONDO:0011450, OMIM 604370. Disease mechanism: loss of function.

Submission:

Evidence-based Network for the Interpretation of Germline Mutant Alleles (ENIGMA)
Classification: Pathogenic for Breast-ovarian cancer, familial, susceptibility to, 1. Last evaluated: 2016-10-18. Review status: reviewed by expert panel. Criteria: ENIGMA BRCA1/2 Classification Criteria (2015). Collection method: curation. Allele origin: germline.
Comment: Variant allele predicted to encode a truncated non-functional protein.